The following is an entry in ClinVar:

NM_025009.5(CEP135):c.2259G>T (p.Leu753Phe)

Gene: CEP135 (centrosomal protein 135; plus strand). Cytogenetic location: 4q12.
Variant type: single nucleotide variant.
Coding change: c.2259G>T on transcript NM_025009.5 (MANE Select); coding-DNA position 2259, G replaced by T.
Protein change: p.Leu753Phe; replaces leucine 753 with phenylalanine.
Molecular consequence: missense variant.
Genome position (GRCh38, 1-based): chr4:55,999,624, G>T. VCF-style: chr4-55999624-G-T. GRCh37 (hg19) VCF-style: chr4-56865790-G-T.
Other names: short protein forms L753F.
Identifiers: ClinVar variation 1970059 (VCV001970059.5), dbSNP rs2475348074, ClinGen allele CA356961008.
Genomic context (GRCh38, chr4:55,999,624, plus strand): 5'-TAAAGAAAAAGACTTTCTCCAGGAGACTGTAGATGAGAAGACAGAAAAGATTGCAAATTT[G>T]CAAGAAAACCTAGCTAATAAAGTATGTGATCGTTTAATGTAATTTTCCAGCATCCAAACA-3'
Protein context (NP_079285.2, residues 743-763): VDEKTEKIAN[Leu753Phe]QENLANKEKA

ClinVar aggregate classification (germline): Uncertain significance (1 of 4 stars; one submission).

Submission:

Labcorp Genetics (formerly Invitae), Labcorp
Classification: Uncertain significance. Last evaluated: 2022-08-08. Review status: criteria provided, single submitter. Criteria: Invitae Variant Classification Sherloc (09022015). Collection method: clinical testing. Allele origin: germline.
Comment: In summary, the available evidence is currently insufficient to determine the role of this variant in disease. Therefore, it has been classified as a Variant of Uncertain Significance. Algorithms developed to predict the effect of missense changes on protein structure and function are either unavailable or do not agree on the potential impact of this missense change (SIFT: "Deleterious"; PolyPhen-2: "Probably Damaging"; Align-GVGD: "Class C15"). This variant has not been reported in the literature in individuals affected with CEP135-related conditions. This variant is not present in population databases (gnomAD no frequency). This sequence change replaces leucine, which is neutral and non-polar, with phenylalanine, which is neutral and non-polar, at codon 753 of the CEP135 protein (p.Leu753Phe).